The following is an entry in ClinVar:

ClinVar aggregate classification (germline): Likely benign. Review status: criteria provided, multiple submitters, no conflicts (2 of 4 stars). 3 submissions from 3 submitters: Likely benign (2). 1 of the submissions does not count toward it. Last evaluated 2020-01-14.

Conditions:
TMPO-related disorder. Also called: TMPO-related condition.

Allele frequency attached by ClinVar (database versions not stated): gnomAD exomes 0.00007 and 0.00017; gnomAD 0.00070 and 0.00076; TOPMed 0.00070; ESP Exome Variant Server 0.00100; 1000 Genomes Project 30x 0.00047; ExAC 0.00017; 1000 Genomes Project 0.00060.

Submissions (4):

GeneDx
Classification: Likely benign. Last evaluated: 2020-01-14. Review status: criteria provided, single submitter. Criteria: GeneDx Variant Classification Process June 2021. Collection method: clinical testing. Allele origin: germline. Affected: yes.

Breakthrough Genomics
Classification: Likely benign. Review status: criteria provided, single submitter. Criteria: ACMG Guidelines, 2015. Collection method: not provided. Allele origin: germline. Inheritance: Unknown mechanism. Affected: yes.

PreventionGenetics, part of Exact Sciences
Classification: Likely benign for TMPO-related condition. Last evaluated: 2020-09-10. Review status: no assertion criteria provided. Collection method: clinical testing. Allele origin: germline. Not counted in ClinVar's aggregate classification.
Comment: This variant is classified as likely benign based on ACMG/AMP sequence variant interpretation guidelines (Richards et al. 2015 PMID: 25741868, with internal and published modifications).

Dr. Peter K. Rogan Lab, Western University
No classification provided (evidence only). Condition: Uterine corpus endometrial carcinoma. Review status: no classification provided. Collection method: in vitro. Allele origin: not applicable. Functional consequence: retained intron. Not counted in ClinVar's aggregate classification.

NM_001032283.3(TMPO):c.1296A>G (p.Gln432=)

Gene: TMPO (thymopoietin; plus strand). Cytogenetic location: 12q23.1.
Variant type: single nucleotide variant.
Coding change: c.1296A>G on transcript NM_001032283.3 (MANE Select); coding-DNA position 1296, A replaced by G.
Protein change: p.Gln432=; no amino-acid change (glutamine 432 retained).
Molecular consequence: synonymous variant.
Genome position (GRCh38, 1-based): chr12:98,547,789, A>G. VCF-style: chr12-98547789-A-G. GRCh37 (hg19) VCF-style: chr12-98941567-A-G.
Other names: NC_000012.11:g.98941567A>G; c.1296A>G (NM_001032283.2); c.969A>G, p.Gln323= (NM_001032284.3); c.1176A>G, p.Gln392= (NM_001307975.2).
Identifiers: ClinVar variation 1196339 (VCV001196339.6), dbSNP rs61744201, ClinGen allele CA6732742.